The following is an entry in ClinVar:

NM_001286615.2(ANO4):c.2158T>C (p.Phe720Leu)

Gene: ANO4 (anoctamin 4). Cytogenetic location: 12q23.1.
Variant type: single nucleotide variant.
Coding change: c.2158T>C on transcript NM_001286615.2 (MANE Select); coding-DNA position 2158, T replaced by C.
Protein change: p.Phe720Leu; replaces phenylalanine 720 with leucine.
Molecular consequence: missense variant.
Genome position (GRCh38, 1-based): chr12:101,110,412, T>C. VCF-style: chr12-101110412-T-C. GRCh37 (hg19) VCF-style: chr12-101504190-T-C.
Other names: c.2158T>C, p.Phe720Leu (NM_001286616.1); c.2053T>C, p.Phe685Leu (NM_178826.4); short protein forms F685L, F720L.
Identifiers: ClinVar variation 3400823 (VCV003400823.3).
Genomic context (GRCh38, chr12:101,110,412, plus strand): 5'-ATAGTAATGGAAAACCAATACTCTCTGCTCTTTTTCCTTTTTTCTTTTCTAGTTCTTCAG[T>C]TTGGATTCACAACTATCTTTGTGGCAGCTTTTCCCCTAGCACCACTTCTGGCCTTACTGA-3'
Protein context (NP_001273544.1, residues 710-730): FDEYLEMILQ[Phe720Leu]GFTTIFVAAF

ClinVar aggregate classification (germline): Uncertain significance. Review status: criteria provided, multiple submitters, no conflicts (2 of 4 stars). 2 submissions from 2 submitters: Uncertain significance (2). Last evaluated 2024-10-16.

Submissions (2):

Ambry Genetics
Classification: Uncertain significance. Last evaluated: 2024-10-16. Review status: criteria provided, single submitter. Criteria: Ambry Variant Classification Scheme 2023. Collection method: clinical testing. Allele origin: germline.

Labcorp Genetics (formerly Invitae), Labcorp
Classification: Uncertain significance. Last evaluated: 2024-09-26. Review status: criteria provided, single submitter. Criteria: Invitae Variant Classification Sherloc (09022015). Collection method: clinical testing. Allele origin: germline.
Comment: This sequence change replaces phenylalanine, which is neutral and non-polar, with leucine, which is neutral and non-polar, at codon 720 of the ANO4 protein (p.Phe720Leu). This variant is not present in population databases (gnomAD no frequency). This variant has not been reported in the literature in individuals affected with ANO4-related conditions. Invitae Evidence Modeling of protein sequence and biophysical properties (such as structural, functional, and spatial information, amino acid conservation, physicochemical variation, residue mobility, and thermodynamic stability) indicates that this missense variant is expected to disrupt ANO4 protein function with a positive predictive value of 80%. In summary, the available evidence is currently insufficient to determine the role of this variant in disease. Therefore, it has been classified as a Variant of Uncertain Significance.